The following is an entry in ClinVar:

NM_000045.4(ARG1):c.503G>A (p.Cys168Tyr)

Genes: ARG1 (arginase 1; plus strand), MED23 (mediator complex subunit 23; minus strand). Cytogenetic location: 6q23.2.
Variant type: single nucleotide variant.
Coding change: c.503G>A on transcript NM_000045.4 (MANE Select); coding-DNA position 503, G replaced by A.
Protein change: p.Cys168Tyr; replaces cysteine 168 with tyrosine.
Molecular consequence: missense variant. On other transcripts: non-coding transcript variant (1), intron variant (3).
Genome position (GRCh38, 1-based): chr6:131,582,658, G>A. VCF-style: chr6-131582658-G-A. GRCh37 (hg19) VCF-style: chr6-131903798-G-A.
Other names: c.527G>A, p.Cys176Tyr (NM_001244438.2); c.306-402G>A (NM_001369020.1); c.4077+5051C>T (NM_001270521.2); c.4095+5051C>T (NM_015979.4); short protein forms C168Y, C176Y.
Identifiers: ClinVar variation 4814175 (VCV004814175.1).

ClinVar aggregate classification (germline): Uncertain significance (1 of 4 stars; one submission).

Conditions:
Arginase deficiency. Also called: ARGININEMIA; ARG1 DEFICIENCY; Arginase 1 Deficiency. Identifiers: Orphanet 90, MedGen C0268548, MONDO:0008814, OMIM 207800.

gnomAD v4.1: 1 of 1,613,912 alleles (0.000062%); highest among the groups gnomAD compares: South Asian, 0.0011%; no homozygotes.

Submission:

Kasturba Medical College, Manipal, Kasturba Medical College, Manipal, Manipal Academy of Higher Education, Manipal, India
Classification: Uncertain significance for Arginase deficiency. Last evaluated: 2026-03-04. Review status: criteria provided, single submitter. Criteria: ACMG Guidelines, 2015. Collection method: research. Allele origin: maternal. Inheritance: Autosomal recessive inheritance. Affected: yes.
Comment: The father's sample is not available. This variant was observed in one individual in the heterozygous state and absent in homozygous state in gnomAD (v4.1.0). This variant is absent in our in-house database of 3565 exomes. In-silico prediction tools (REVEL, CADD, MutationTaster) are consistent in predict the variant to be moderately damaging to protein function. The clinical features observed in the proband are in concordance with argininemia.